The following is an entry in ClinVar:

ClinVar aggregate classification (germline): Uncertain significance. Review status: criteria provided, multiple submitters, no conflicts (2 of 4 stars). 2 submissions from 2 submitters: Uncertain significance (2). Last evaluated 2025-08-30.

Conditions:
RYR1-related disorder. Also called: RYR1-related condition; RYR1-related disorders. Identifiers: MedGen CN239331.
Malignant hyperthermia, susceptibility to, 1 (MHS1). Also called: RYR1-Related Malignant Hyperthermia Susceptibility; Malignant hyperthermia suceptibility 1; Anesthesia related hyperthermia; Malignant hyperpyrexia; Fulminating hyperpyrexia; Pharmacogenic myopathy. Identifiers: Orphanet 423, MedGen C2930980, MONDO:0007783, OMIM 145600.

Allele frequency attached by ClinVar (database versions not stated): TOPMed below 0.00001.

Submissions (2):

Color Diagnostics, LLC DBA Color Health
Classification: Uncertain significance for Malignant hyperthermia, susceptibility to, 1. Last evaluated: 2025-08-30. Review status: criteria provided, single submitter. Criteria: ACMG Guidelines, 2015. Collection method: clinical testing. Allele origin: germline.
Comment: This missense variant replaces tryptophan with glycine at codon 275 of the RYR1 protein. Computational prediction suggests that this variant may have deleterious impact on protein structure and function. To our knowledge, functional studies have not been reported for this variant. This variant has not been reported in individuals affected with RYR1-related disorders in the literature. This variant has been identified in 1/247346 chromosomes in the general population by the Genome Aggregation Database (gnomAD). The available evidence is insufficient to determine the role of this variant in disease conclusively. Therefore, this variant is classified as a Variant of Uncertain Significance.

Labcorp Genetics (formerly Invitae), Labcorp
Classification: Uncertain significance for RYR1-related disorder. Last evaluated: 2022-03-04. Review status: criteria provided, single submitter. Criteria: Invitae Variant Classification Sherloc (09022015). Collection method: clinical testing. Allele origin: germline.
Comment: Advanced modeling of protein sequence and biophysical properties (such as structural, functional, and spatial information, amino acid conservation, physicochemical variation, residue mobility, and thermodynamic stability) performed at Invitae indicates that this missense variant is expected to disrupt RYR1 protein function. This sequence change replaces tryptophan, which is neutral and slightly polar, with glycine, which is neutral and non-polar, at codon 275 of the RYR1 protein (p.Trp275Gly). The frequency data for this variant in the population databases is considered unreliable, as metrics indicate poor data quality at this position in the gnomAD database. This variant has not been reported in the literature in individuals affected with RYR1-related conditions. In summary, the available evidence is currently insufficient to determine the role of this variant in disease. Therefore, it has been classified as a Variant of Uncertain Significance.

NM_000540.3(RYR1):c.823T>G (p.Trp275Gly)

Gene: RYR1 (ryanodine receptor 1; plus strand). Cytogenetic location: 19q13.2.
Variant type: single nucleotide variant.
Coding change: c.823T>G on transcript NM_000540.3 (MANE Select); coding-DNA position 823, T replaced by G.
Protein change: p.Trp275Gly; replaces tryptophan 275 with glycine.
Molecular consequence: missense variant.
Genome position (GRCh38, 1-based): chr19:38,448,377, T>G. VCF-style: chr19-38448377-T-G. GRCh37 (hg19) VCF-style: chr19-38939017-T-G.
Other names: c.823T>G, p.Trp275Gly (NM_001042723.2); short protein forms W275G.
Identifiers: ClinVar variation 2069267 (VCV002069267.5), dbSNP rs1466758576, ClinGen allele CA405681056.